The following is an entry in ClinVar:

NM_000316.3(PTH1R):c.800C>G (p.Ala267Gly)

Gene: PTH1R (parathyroid hormone 1 receptor; plus strand). Cytogenetic location: 3p21.31.
Variant type: single nucleotide variant.
Coding change: c.800C>G on transcript NM_000316.3 (MANE Select); coding-DNA position 800, C replaced by G.
Protein change: p.Ala267Gly; replaces alanine 267 with glycine.
Molecular consequence: missense variant.
Genome position (GRCh38, 1-based): chr3:46,898,823, C>G. VCF-style: chr3-46898823-C-G. GRCh37 (hg19) VCF-style: chr3-46940313-C-G.
Other names: c.800C>G, p.Ala267Gly (NM_001184744.1); short protein forms A267G.
Identifiers: ClinVar variation 2187267 (VCV002187267.4), dbSNP rs756277460, ClinGen allele CA352497438.
Genomic context (GRCh38, chr3:46,898,823, plus strand): 5'-GCGCCACGCTTGATGAGGCTGAGCGCCTCACCGAGGAGGAGCTGCGCGCCATCGCCCAGG[C>G]GCCCCCGCCGCCTGCCACCGCCGCTGCCGGCTACGTGAGTACCCCTCTGCCCGCCCGCTC-3'
Protein context (NP_000307.1, residues 257-277): TEEELRAIAQ[Ala267Gly]PPPPATAAAG

ClinVar aggregate classification (germline): Uncertain significance (1 of 4 stars; one submission).

Allele frequency attached by ClinVar (database versions not stated): gnomAD 0.00001; TOPMed 0.00001.
gnomAD v4.1: 14 of 1,562,050 alleles (0.0009%); highest among the groups gnomAD compares: Non-Finnish European, 0.0012%; no homozygotes.

Submission:

Labcorp Genetics (formerly Invitae), Labcorp
Classification: Uncertain significance. Last evaluated: 2021-12-29. Review status: criteria provided, single submitter. Criteria: Invitae Variant Classification Sherloc (09022015). Collection method: clinical testing. Allele origin: germline.
Comment: This variant has not been reported in the literature in individuals affected with PTH1R-related conditions. In summary, the available evidence is currently insufficient to determine the role of this variant in disease. Therefore, it has been classified as a Variant of Uncertain Significance. Algorithms developed to predict the effect of missense changes on protein structure and function are either unavailable or do not agree on the potential impact of this missense change (SIFT: "Deleterious"; PolyPhen-2: "Benign"; Align-GVGD: "Class C55"). This variant is present in population databases (no rsID available, gnomAD 0.003%). This sequence change replaces alanine, which is neutral and non-polar, with glycine, which is neutral and non-polar, at codon 267 of the PTH1R protein (p.Ala267Gly).